The following is an entry in ClinVar:

ClinVar aggregate classification (germline): Uncertain significance (1 of 4 stars; one submission).

Conditions:
Inborn genetic diseases. Identifiers: MedGen C0950123, MeSH D030342.

Submission:

Ambry Genetics
Classification: Uncertain significance for Inborn genetic diseases. Last evaluated: 2024-03-19. Review status: criteria provided, single submitter. Criteria: Ambry Variant Classification Scheme 2023. Collection method: clinical testing. Allele origin: germline.
Comment: The p.C215R variant (also known as c.643T>C), located in coding exon 3 of the PIK3CA gene, results from a T to C substitution at nucleotide position 643. The cysteine at codon 215 is replaced by arginine, an amino acid with highly dissimilar properties. This amino acid position is conserved. In addition, the in silico prediction for this alteration is inconclusive. Based on the available evidence, the clinical significance of this alteration remains unclear.

NM_006218.4(PIK3CA):c.643T>C (p.Cys215Arg)

Gene: PIK3CA (phosphatidylinositol-4,5-bisphosphate 3-kinase catalytic subunit alpha; plus strand). Cytogenetic location: 3q26.32.
Variant type: single nucleotide variant.
Coding change: c.643T>C on transcript NM_006218.4 (MANE Select); coding-DNA position 643, T replaced by C.
Protein change: p.Cys215Arg; replaces cysteine 215 with arginine.
Molecular consequence: missense variant.
Genome position (GRCh38, 1-based): chr3:179,201,370, T>C. VCF-style: chr3-179201370-T-C. GRCh37 (hg19) VCF-style: chr3-178919158-T-C.
Other names: short protein forms C215R.
Identifiers: ClinVar variation 3306581 (VCV003306581.1).